The following is an entry in ClinVar:

ClinVar aggregate classification (germline): Uncertain significance (1 of 4 stars; one submission).

Submission:

GeneDx
Classification: Uncertain significance. Last evaluated: 2019-03-28. Review status: criteria provided, single submitter. Criteria: GeneDx Variant Classification Process June 2021. Collection method: clinical testing. Allele origin: germline. Affected: yes.
Comment: Not observed in large population cohorts (Lek et al., 2016); In silico analysis, which includes protein predictors and evolutionary conservation, supports that this variant does not alter protein structure/function; Has not been previously published as pathogenic or benign to our knowledge

NM_001197104.2(KMT2A):c.10448T>C (p.Val3483Ala)

Gene: KMT2A (lysine methyltransferase 2A; plus strand). Cytogenetic location: 11q23.3.
Variant type: single nucleotide variant.
Coding change: c.10448T>C on transcript NM_001197104.2 (MANE Select); coding-DNA position 10448, T replaced by C.
Protein change: p.Val3483Ala; replaces valine 3483 with alanine.
Molecular consequence: missense variant.
Genome position (GRCh38, 1-based): chr11:118,506,340, T>C. VCF-style: chr11-118506340-T-C. GRCh37 (hg19) VCF-style: chr11-118377055-T-C.
Other names: c.10439T>C, p.Val3480Ala (NM_005933.4); short protein forms V3480A, V3483A.
Identifiers: ClinVar variation 1308359 (VCV001308359.2), dbSNP rs2134412725, ClinGen allele CA382825841.